The following is an entry in ClinVar:

NM_173728.4(ARHGEF15):c.2276C>G (p.Ser759Cys)

Gene: ARHGEF15 (Rho guanine nucleotide exchange factor 15; plus strand). Cytogenetic location: 17p13.1.
Variant type: single nucleotide variant.
Coding change: c.2276C>G on transcript NM_173728.4 (MANE Select); coding-DNA position 2276, C replaced by G.
Protein change: p.Ser759Cys; replaces serine 759 with cysteine.
Molecular consequence: missense variant.
Genome position (GRCh38, 1-based): chr17:8,319,505, C>G. VCF-style: chr17-8319505-C-G. GRCh37 (hg19) VCF-style: chr17-8222823-C-G.
Other names: c.2276C>G, p.Ser759Cys (NM_025014.2); short protein forms S759C.
Identifiers: ClinVar variation 1949979 (VCV001949979.5), dbSNP rs780905049, ClinGen allele CA8375487.
Genomic context (GRCh38, chr17:8,319,505, plus strand): 5'-AATATGGGGGAGAAGCTAAACAGAATCACTTTAATGTCACCCACCCCCAACCAGACTGTT[C>G]CCAGGAACTGTGTTCAGAGTCGTCTGCACCTGCCAAGACTGAAGGACGGAGTCTGGAGTC-3'
Protein context (NP_776089.2, residues 749-769): PDTIYEDCDC[Ser759Cys]QELCSESSAP

ClinVar aggregate classification (germline): Uncertain significance (1 of 4 stars; one submission).

Conditions:
Early-infantile DEE. Also called: Early infantile epileptic encephalopathy; Early infantile epileptic encephalopathy with suppression bursts; Ohtahara syndrome. Identifiers: Orphanet 1934, MedGen C0393706, MONDO:0800491.

Allele frequency attached by ClinVar (database versions not stated): gnomAD exomes below 0.00001; TOPMed below 0.00001; ExAC 0.00001.

Submission:

Labcorp Genetics (formerly Invitae), Labcorp
Classification: Uncertain significance for Early-infantile DEE. Last evaluated: 2022-02-19. Review status: criteria provided, single submitter. Criteria: Invitae Variant Classification Sherloc (09022015). Collection method: clinical testing. Allele origin: germline.
Comment: In summary, the available evidence is currently insufficient to determine the role of this variant in disease. Therefore, it has been classified as a Variant of Uncertain Significance. Algorithms developed to predict the effect of missense changes on protein structure and function are either unavailable or do not agree on the potential impact of this missense change (SIFT: "Deleterious"; PolyPhen-2: "Possibly Damaging"; Align-GVGD: "Class C15"). This variant has not been reported in the literature in individuals affected with ARHGEF15-related conditions. This variant is present in population databases (rs780905049, gnomAD 0.0009%). This sequence change replaces serine, which is neutral and polar, with cysteine, which is neutral and slightly polar, at codon 759 of the ARHGEF15 protein (p.Ser759Cys).